The following is an entry in ClinVar:

NM_000059.4(BRCA2):c.9517_9518insTCTAAGTCAAATGTTTTCAAAACAATTGACATTGTTTTCT (p.Cys3173delinsPheTer)

Gene: BRCA2 (BRCA2 DNA repair associated; plus strand). Cytogenetic location: 13q13.1.
Variant type: Insertion.
Coding change: c.9517_9518insTCTAAGTCAAATGTTTTCAAAACAATTGACATTGTTTTCT on transcript NM_000059.4 (MANE Select); coding-DNA positions 9517 to 9518, TCTAAGTCAAATGTTTTCAAAACAATTGACATTGTTTTCT inserted.
Protein change: p.Cys3173delinsPheTer.
Molecular consequence: nonsense.
Genome position: GRCh38: chr13:32,396,913-32,396,914. GRCh37 (hg19): chr13:32,971,050-32,971,051.
Identifiers: ClinVar variation 234792 (VCV000234792.2), dbSNP rs876661220, ClinGen allele CA10577501.

ClinVar aggregate classification (germline): Pathogenic (1 of 4 stars; one submission).

Submission:

GeneDx
Classification: Pathogenic. Last evaluated: 2016-01-20. Review status: criteria provided, single submitter. Criteria: GeneDx Variant Classification (06012015). Collection method: clinical testing. Allele origin: germline. Affected: yes.
Comment: This insertion of 40 nucleotides in BRCA2 is denoted c.9517_9518ins40 at the cDNA level and p.Cys3173PhefsX2 (C3173FfsX2) at the protein level. Using alternate nomenclature, this variant would be defined as BRCA2 9745_9746ins40. The surrounding sequence is CTTT[ins40]GCAA. The insertion causes a frameshift, which changes a Cysteine to a Phenylalanine at codon 3173, and creates a premature stop codon at position 2 of the new reading frame. Although this variant has not, to our knowledge, been reported in the literature, it is predicted to cause loss of normal protein function through either protein truncation or nonsense-mediated mRNA decay. We consider this variant to be pathogenic.